The following is an entry in ClinVar:

ClinVar aggregate classification (germline): Uncertain significance (1 of 4 stars; one submission).

Allele frequency attached by ClinVar (database versions not stated): gnomAD exomes below 0.00001.
gnomAD v4.1: 2 of 1,613,728 alleles (0.00012%); highest among the groups gnomAD compares: South Asian, 0.0011%; no homozygotes.

Submission:

Labcorp Genetics (formerly Invitae), Labcorp
Classification: Uncertain significance. Last evaluated: 2023-06-24. Review status: criteria provided, single submitter. Criteria: Invitae Variant Classification Sherloc (09022015). Collection method: clinical testing. Allele origin: germline.
Comment: In summary, the available evidence is currently insufficient to determine the role of this variant in disease. Therefore, it has been classified as a Variant of Uncertain Significance. Advanced modeling of protein sequence and biophysical properties (such as structural, functional, and spatial information, amino acid conservation, physicochemical variation, residue mobility, and thermodynamic stability) has been performed at Invitae for this missense variant, however the output from this modeling did not meet the statistical confidence thresholds required to predict the impact of this variant on RASGRP1 protein function. This variant has not been reported in the literature in individuals affected with RASGRP1-related conditions. This variant is present in population databases (no rsID available, gnomAD 0.003%). This sequence change replaces proline, which is neutral and non-polar, with leucine, which is neutral and non-polar, at codon 268 of the RASGRP1 protein (p.Pro268Leu).

NM_005739.4(RASGRP1):c.803C>T (p.Pro268Leu)

Gene: RASGRP1 (RAS guanyl releasing protein 1; minus strand). Cytogenetic location: 15q14.
Variant type: single nucleotide variant.
Coding change: c.803C>T on transcript NM_005739.4 (MANE Select); coding-DNA position 803, C replaced by T.
Protein change: p.Pro268Leu; replaces proline 268 with leucine.
Molecular consequence: missense variant.
Genome position (GRCh38, 1-based): chr15:38,512,829, G>A on the plus strand (C>T on the coding strand, the complement: RASGRP1 is on the minus strand). VCF-style: chr15-38512829-G-A. GRCh37 (hg19) VCF-style: chr15-38805030-G-A.
Other names: c.803C>T, p.Pro268Leu (NM_001128602.2, NM_001306086.2); short protein forms P268L.
Identifiers: ClinVar variation 2737160 (VCV002737160.3), dbSNP rs1308640716, ClinGen allele CA391651406.
Genomic context (GRCh38, chr15:38,512,829, plus strand): 5'-AACCAGTTATTCACCTGAGCCACCTGGATGAACTTGATGAAGACTTCTGCTCGGAGCTGC[G>A]GCGTGGGGCGGCTGAGAACCATCAGTTGTACCCACTGGGAGATGCCGTTGCACAGAGCAA-3'
Protein context (NP_005730.2, residues 258-278): VQLMVLSRPT[Pro268Leu]QLRAEVFIKF